The following is an entry in ClinVar:

ClinVar aggregate classification (germline): Uncertain significance (1 of 4 stars; one submission).

gnomAD v4.1: 1 of 1,610,870 alleles (0.000062%); no homozygotes.

Submission:

Labcorp Genetics (formerly Invitae), Labcorp
Classification: Uncertain significance. Last evaluated: 2023-04-29. Review status: criteria provided, single submitter. Criteria: Invitae Variant Classification Sherloc (09022015). Collection method: clinical testing. Allele origin: germline.
Comment: In summary, the available evidence is currently insufficient to determine the role of this variant in disease. Therefore, it has been classified as a Variant of Uncertain Significance. An algorithm developed to predict the effect of missense changes on protein structure and function (PolyPhen-2) suggests that this variant is likely to be tolerated. ClinVar contains an entry for this variant (Variation ID: 1508754). This variant has not been reported in the literature in individuals affected with PSMB4-related conditions. This variant is not present in population databases (gnomAD no frequency). This sequence change replaces asparagine, which is neutral and polar, with lysine, which is basic and polar, at codon 253 of the PSMB4 protein (p.Asn253Lys).

NM_002796.3(PSMB4):c.759C>G (p.Asn253Lys)

Gene: PSMB4 (proteasome 20S subunit beta 4; plus strand). Cytogenetic location: 1q21.3.
Variant type: single nucleotide variant.
Coding change: c.759C>G on transcript NM_002796.3 (MANE Select); coding-DNA position 759, C replaced by G.
Protein change: p.Asn253Lys; replaces asparagine 253 with lysine.
Molecular consequence: missense variant.
Genome position (GRCh38, 1-based): chr1:151,401,607, C>G. VCF-style: chr1-151401607-C-G. GRCh37 (hg19) VCF-style: chr1-151374083-C-G.
Other names: short protein forms N253K.
Identifiers: ClinVar variation 1508754 (VCV001508754.8), dbSNP rs2102123668, ClinGen allele CA341928009.